The following is an entry in ClinVar:

ClinVar aggregate classification (germline): Uncertain significance. Review status: criteria provided, multiple submitters, no conflicts (2 of 4 stars). 2 submissions from 2 submitters: Uncertain significance (2). Last evaluated 2024-05-08.

Conditions:
Inborn genetic diseases. Identifiers: MedGen C0950123, MeSH D030342.

Allele frequency attached by ClinVar (database versions not stated): gnomAD exomes 0.00002; TOPMed 0.00002; ExAC 0.00003; 1000 Genomes Project 0.00020; 1000 Genomes Project 30x 0.00031.

Submissions (2):

Labcorp Genetics (formerly Invitae), Labcorp
Classification: Uncertain significance. Last evaluated: 2024-05-08. Review status: criteria provided, single submitter. Criteria: Invitae Variant Classification Sherloc (09022015). Collection method: clinical testing. Allele origin: germline.
Comment: This sequence change replaces aspartic acid, which is acidic and polar, with asparagine, which is neutral and polar, at codon 295 of the TUBB1 protein (p.Asp295Asn). This variant is present in population databases (rs550289480, gnomAD 0.007%). This variant has not been reported in the literature in individuals affected with TUBB1-related conditions. ClinVar contains an entry for this variant (Variation ID: 2204908). Advanced modeling of protein sequence and biophysical properties (such as structural, functional, and spatial information, amino acid conservation, physicochemical variation, residue mobility, and thermodynamic stability) performed at Invitae indicates that this missense variant is not expected to disrupt TUBB1 protein function with a negative predictive value of 80%. In summary, the available evidence is currently insufficient to determine the role of this variant in disease. Therefore, it has been classified as a Variant of Uncertain Significance.

Ambry Genetics
Classification: Uncertain significance for Inborn genetic diseases. Last evaluated: 2022-01-26. Review status: criteria provided, single submitter. Criteria: Ambry Variant Classification Scheme 2023. Collection method: clinical testing. Allele origin: germline.

NM_030773.4(TUBB1):c.883G>A (p.Asp295Asn)

Gene: TUBB1 (tubulin beta 1 class VI; plus strand). Cytogenetic location: 20q13.32.
Variant type: single nucleotide variant.
Coding change: c.883G>A on transcript NM_030773.4 (MANE Select); coding-DNA position 883, G replaced by A.
Protein change: p.Asp295Asn; replaces aspartic acid 295 with asparagine.
Molecular consequence: missense variant.
Genome position (GRCh38, 1-based): chr20:59,024,310, G>A. VCF-style: chr20-59024310-G-A. GRCh37 (hg19) VCF-style: chr20-57599365-G-A.
Other names: short protein forms D295N.
Identifiers: ClinVar variation 2204908 (VCV002204908.4), dbSNP rs550289480, ClinGen allele CA9928608.